The following is an entry in ClinVar:

NM_001231.5(CASQ1):c.226G>A (p.Glu76Lys)

Gene: CASQ1 (calsequestrin 1; plus strand). Cytogenetic location: 1q23.2.
Variant type: single nucleotide variant.
Coding change: c.226G>A on transcript NM_001231.5 (MANE Select); coding-DNA position 226, G replaced by A.
Protein change: p.Glu76Lys; replaces glutamic acid 76 with lysine.
Molecular consequence: missense variant.
Genome position (GRCh38, 1-based): chr1:160,190,977, G>A. VCF-style: chr1-160190977-G-A. GRCh37 (hg19) VCF-style: chr1-160160767-G-A.
Other names: p.Glu76Lys; short protein forms E76K.
Identifiers: ClinVar variation 721560 (VCV000721560.14), dbSNP rs79469730, ClinGen allele CA1196097.

ClinVar aggregate classification (germline): Conflicting classifications of pathogenicity. Review status: criteria provided, conflicting classifications (1 of 4 stars). 5 submissions from 5 submitters: Uncertain significance (1); Likely benign (4). Last evaluated 2026-01-24.

Conditions:
Inborn genetic diseases. Identifiers: MedGen C0950123, MeSH D030342.

Allele frequency attached by ClinVar (database versions not stated): gnomAD exomes 0.00067 and 0.00069; ExAC 0.00085; ESP Exome Variant Server 0.00108; gnomAD 0.00119 and 0.00122; TOPMed 0.00127; 1000 Genomes Project 0.00140; 1000 Genomes Project 30x 0.00141.

Submissions (5):

Labcorp Genetics (formerly Invitae), Labcorp
Classification: Likely benign. Last evaluated: 2026-01-24. Review status: criteria provided, single submitter. Criteria: Invitae Variant Classification Sherloc (09022015). Collection method: clinical testing. Allele origin: germline.

Mayo Clinic Laboratories, Mayo Clinic
Classification: Likely benign. Last evaluated: 2025-09-19. Review status: criteria provided, single submitter. Criteria: ACMG Guidelines, 2015. Collection method: clinical testing. Allele origin: germline. Observed: 1 variant allele.
Comment: BS2, BP4_moderate

Blueprint Genetics
Classification: Likely benign. Last evaluated: 2024-11-20. Review status: criteria provided, single submitter. Criteria: ACMG Guidelines, 2015. Collection method: clinical testing. Allele origin: germline.

Ambry Genetics
Classification: Uncertain significance for Inborn genetic diseases. Last evaluated: 2022-12-09. Review status: criteria provided, single submitter. Criteria: Ambry Variant Classification Scheme 2023. Collection method: clinical testing. Allele origin: germline.
Comment: The p.E76K variant (also known as c.226G>A), located in coding exon 1 of the CASQ1 gene, results from a G to A substitution at nucleotide position 226. The glutamic acid at codon 76 is replaced by lysine, an amino acid with similar properties. This amino acid position is conserved. In addition, this alteration is predicted to be tolerated by in silico analysis. Since supporting evidence is limited at this time, the clinical significance of this alteration remains unclear.

Breakthrough Genomics
Classification: Likely benign. Review status: criteria provided, single submitter. Criteria: ACMG Guidelines, 2015. Collection method: not provided. Allele origin: germline. Inheritance: Autosomal dominant inheritance. Affected: yes.